The following is an entry in ClinVar:

NM_001379500.1(COL18A1):c.1279A>G (p.Thr427Ala)

Gene: COL18A1 (collagen type XVIII alpha 1 chain; plus strand). Cytogenetic location: 21q22.3.
Variant type: single nucleotide variant.
Coding change: c.1279A>G on transcript NM_001379500.1 (MANE Select); coding-DNA position 1279, A replaced by G.
Protein change: p.Thr427Ala; replaces threonine 427 with alanine.
Molecular consequence: missense variant.
Genome position (GRCh38, 1-based): chr21:45,479,932, A>G. VCF-style: chr21-45479932-A-G. GRCh37 (hg19) VCF-style: chr21-46899846-A-G.
Other names: c.1819A>G, p.Thr607Ala (NM_030582.4); c.2524A>G, p.Thr842Ala (NM_130444.3); short protein forms T427A, T607A, T842A.
Identifiers: ClinVar variation 1384998 (VCV001384998.6), dbSNP rs2035834385, ClinGen allele CA410516707.
Genomic context (GRCh38, chr21:45,479,932, plus strand): 5'-CTGACCGGGCCCCCGGATGTTGTGTTCCAGGGCGACACCGGGCCACAAGGCTTCCCCGGG[A>G]CTCCAGGGGACGTAGGTCCCAAGGGCGACAAGGTGAGTCTCCGTGGCTGGGTGGGGCCCC-3'
Protein context (NP_001366429.1, residues 417-437): GDTGPQGFPG[Thr427Ala]PGDVGPKGDK

ClinVar aggregate classification (germline): Uncertain significance (1 of 4 stars; one submission).

Allele frequency attached by ClinVar (database versions not stated): gnomAD 0.00001.
gnomAD v4.1: 1 of 1,612,846 alleles (0.000062%); highest among the groups gnomAD compares: Admixed American, 0.0017%; no homozygotes.

Submission:

Labcorp Genetics (formerly Invitae), Labcorp
Classification: Uncertain significance. Last evaluated: 2021-04-05. Review status: criteria provided, single submitter. Criteria: Invitae Variant Classification Sherloc (09022015). Collection method: clinical testing. Allele origin: germline.
Comment: In summary, the available evidence is currently insufficient to determine the role of this variant in disease. Therefore, it has been classified as a Variant of Uncertain Significance. This variant has not been reported in the literature in individuals with COL18A1-related conditions. This variant is not present in population databases (ExAC no frequency). This sequence change replaces threonine with alanine at codon 427 of the COL18A1 protein (p.Thr427Ala). The threonine residue is moderately conserved and there is a small physicochemical difference between threonine and alanine.